The following is an entry in ClinVar:

NM_058195.4(CDKN2A):c.188G>A (p.Arg63Lys)

Gene: CDKN2A (cyclin dependent kinase inhibitor 2A; minus strand). Cytogenetic location: 9p21.3.
Variant type: single nucleotide variant.
Coding change: c.188G>A on transcript NM_058195.4 (MANE Plus Clinical); coding-DNA position 188, G replaced by A.
Protein change: p.Arg63Lys; replaces arginine 63 with lysine.
Molecular consequence: missense variant. On other transcripts: intron variant (1).
Genome position (GRCh38, 1-based): chr9:21,994,144, C>T on the plus strand (G>A on the coding strand, the complement: CDKN2A is on the minus strand). VCF-style: chr9-21994144-C-T. GRCh37 (hg19) VCF-style: chr9-21994143-C-T.
Other names: c.-4+677G>A (NM_001363763.2); short protein forms R63K.
Identifiers: ClinVar variation 1381125 (VCV001381125.4), dbSNP rs780425629, ClinGen allele CA5012376.
Genomic context (GRCh38, chr9:21,994,144, plus strand): 5'-CACCAAACAAAACAAGTGCCGAATGCGCCCCGGACTTTTCGAGGGCCTTTCCTACCTGGT[C>T]TTCTAGGAAGCGGCTGCTGCCCTAGACGCTGGCTCCTCAGTAGCATCAGCACGAGGGCCA-3'
Protein context (NP_478102.2, residues 53-73): QRLGQQPLPR[Arg63Lys]PGHDDGQRPS

ClinVar aggregate classification (germline): Uncertain significance. Review status: criteria provided, multiple submitters, no conflicts (2 of 4 stars). 2 submissions from 2 submitters: Uncertain significance (2). Last evaluated 2023-01-21.

Conditions:
Hereditary cancer-predisposing syndrome. Also called: Tumor predisposition; Neoplastic Syndromes, Hereditary; Hereditary Cancer Syndrome; Hereditary neoplastic syndrome. Identifiers: Orphanet 140162, MedGen C0027672, MeSH D009386, MONDO:0015356.
Familial melanoma. Also called: Hereditary melanoma; Hereditary cutaneous melanoma. Identifiers: Orphanet 618, MedGen C1512419, MONDO:0018961.

Allele frequency attached by ClinVar (database versions not stated): ExAC 0.00001; gnomAD 0.00001.

Submissions (2):

Ambry Genetics
Classification: Uncertain significance for Hereditary cancer-predisposing syndrome. Last evaluated: 2023-01-21. Review status: criteria provided, single submitter. Criteria: Ambry Variant Classification Scheme 2023. Collection method: clinical testing. Allele origin: germline.
Comment: The p.R63K variant (also known as c.188G>A), located in coding exon 1 of the CDKN2A (p14ARF) gene, results from a G to A substitution at nucleotide position 188. The arginine at codon 63 is replaced by lysine, an amino acid with highly similar properties. This amino acid position is well conserved in available vertebrate species. In addition, this alteration is predicted to be tolerated by in silico analysis. Since supporting evidence is limited at this time, the clinical significance of this alteration remains unclear.

Labcorp Genetics (formerly Invitae), Labcorp
Classification: Uncertain significance for Familial melanoma. Last evaluated: 2021-09-15. Review status: criteria provided, single submitter. Criteria: Invitae Variant Classification Sherloc (09022015). Collection method: clinical testing. Allele origin: germline.
Comment: This sequence change replaces arginine with lysine at codon 63 of the CDKN2A (p14ARF) protein (p.Arg63Lys). The arginine residue is moderately conserved and there is a small physicochemical difference between arginine and lysine. This variant is present in population databases (rs780425629, ExAC 0.01%). This variant has not been reported in the literature in individuals affected with CDKN2A (p14ARF)-related conditions. Algorithms developed to predict the effect of missense changes on protein structure and function are either unavailable or do not agree on the potential impact of this missense change (SIFT: "Deleterious"; PolyPhen-2: "Benign"; Align-GVGD: "Class C0"). In summary, the available evidence is currently insufficient to determine the role of this variant in disease. Therefore, it has been classified as a Variant of Uncertain Significance.